The following is an entry in ClinVar:

NM_000601.6(HGF):c.1934A>G (p.His645Arg)

Gene: HGF (hepatocyte growth factor; minus strand). Cytogenetic location: 7q21.11.
Variant type: single nucleotide variant.
Coding change: c.1934A>G on transcript NM_000601.6 (MANE Select); coding-DNA position 1934, A replaced by G.
Protein change: p.His645Arg; replaces histidine 645 with arginine.
Molecular consequence: missense variant.
Genome position (GRCh38, 1-based): chr7:81,705,466, T>C on the plus strand (A>G on the coding strand, the complement: HGF is on the minus strand). VCF-style: chr7-81705466-T-C. GRCh37 (hg19) VCF-style: chr7-81334782-T-C.
Other names: c.1919A>G, p.His640Arg (NM_001010932.3); short protein forms H645R, H640R.
Identifiers: ClinVar variation 517404 (VCV000517404.7), dbSNP rs202215700, ClinGen allele CA4316761.
Genomic context (GRCh38, chr7:81,705,466, plus strand): 5'-CCAATCTTTTCAGCCCCAGCACATATTTCAGACTCATTCAGAGTCACCTTCCCTCGATGA[T>C]GCTGGCTGCATTTCTCATTTCCCATTATATAGAGATGTGCCACTCGTAATAGGCCATCAT-3'
Protein context (NP_000592.3, residues 635-655): YIMGNEKCSQ[His645Arg]HRGKVTLNES

ClinVar aggregate classification (germline): Uncertain significance. Review status: criteria provided, multiple submitters, no conflicts (2 of 4 stars). 3 submissions from 3 submitters: Uncertain significance (3). Last evaluated 2026-05-23.

Allele frequency attached by ClinVar (database versions not stated): ESP Exome Variant Server 0.00008; TOPMed 0.00011; gnomAD exomes 0.00005 and 0.00006; gnomAD 0.00011 and 0.00009; ExAC 0.00007.
gnomAD v4.1: 94 of 1,612,782 alleles (0.0058%); highest among the groups gnomAD compares: Admixed American, 0.022%; no homozygotes.

Submissions (3):

GeneDx
Classification: Uncertain significance. Last evaluated: 2026-05-23. Review status: criteria provided, single submitter. Criteria: GeneDx Variant Classification Process June 2021. Collection method: clinical testing. Allele origin: germline.
Comment: In silico analysis suggests that this missense variant does not alter protein structure/function; Has not been previously published as pathogenic or benign to our knowledge

Ambry Genetics
Classification: Uncertain significance. Last evaluated: 2024-06-16. Review status: criteria provided, single submitter. Criteria: Ambry Variant Classification Scheme 2023. Collection method: clinical testing. Allele origin: germline.

Laboratory for Molecular Medicine, Mass General Brigham Personalized Medicine
Classification: Uncertain significance. Last evaluated: 2017-05-25. Review status: criteria provided, single submitter. Criteria: LMM Criteria. Collection method: clinical testing. Allele origin: germline. Observed: 1 variant allele.
Comment: The p.His645Arg variant in HGF has not been previously reported in individuals w ith hearing loss, but has been identified in 10/126034 European chromosomes and 3/34290 Latino chromosomes by the Genome Aggregation Database (gnomAD; dbSNP rs202215700). Although this variant has been seen in the general population, its frequency is not high enough to rule out a patho genic role. Computational prediction tools and conservation analyses suggest tha t this variant may not impact the protein, though this information is not predic tive enough to rule out pathogenicity. In summary, the clinical significance of the p.His645Arg variant is uncertain.